The following is an entry in ClinVar:

ClinVar aggregate classification (germline): Uncertain significance (1 of 4 stars; one submission).

Conditions:
Aortic valve disease 2 (AOVD2). Identifiers: MedGen C3542024, MONDO:0013902, OMIM 614823.

gnomAD v4.1: 36 of 1,473,872 alleles (0.0024%); highest among the groups gnomAD compares: South Asian, 0.045%; 1 homozygote.

Submission:

Labcorp Genetics (formerly Invitae), Labcorp
Classification: Uncertain significance for Aortic valve disease 2. Last evaluated: 2025-11-05. Review status: criteria provided, single submitter. Criteria: Invitae Variant Classification Sherloc (09022015). Collection method: clinical testing. Allele origin: germline.
Comment: This sequence change replaces aspartic acid, which is acidic and polar, with alanine, which is neutral and non-polar, at codon 36 of the SMAD6 protein (p.Asp36Ala). This variant is present in population databases (rs763029325, gnomAD 0.02%). This variant has not been reported in the literature in individuals affected with SMAD6-related conditions. ClinVar contains an entry for this variant (Variation ID: 2063854). An algorithm developed to predict the effect of missense changes on protein structure and function (PolyPhen-2) suggests that this variant is likely to be tolerated. In summary, the available evidence is currently insufficient to determine the role of this variant in disease. Therefore, it has been classified as a Variant of Uncertain Significance.

NM_005585.5(SMAD6):c.107A>C (p.Asp36Ala)

Gene: SMAD6 (SMAD family member 6; plus strand). Cytogenetic location: 15q22.31.
Variant type: single nucleotide variant.
Coding change: c.107A>C on transcript NM_005585.5 (MANE Select); coding-DNA position 107, A replaced by C.
Protein change: p.Asp36Ala; replaces aspartic acid 36 with alanine.
Molecular consequence: missense variant. On other transcripts: non-coding transcript variant (1).
Genome position (GRCh38, 1-based): chr15:66,703,365, A>C. VCF-style: chr15-66703365-A-C. GRCh37 (hg19) VCF-style: chr15-66995703-A-C.
Other names: short protein forms D36A.
Identifiers: ClinVar variation 2063854 (VCV002063854.4), dbSNP rs763029325, ClinGen allele CA7626439.
Genomic context (GRCh38, chr15:66,703,365, plus strand): 5'-GTCGTGTGGTCCCCGACCGGGAGGAAGGCGGCAGCGGCGGCGGCGGTGGCGGCGACGAGG[A>C]TGGGAGCTTGGGCAGCCGAGCTGAGCCGGCCCCGCGGGCAAGAGAGGGCGGAGGCTGCGG-3'
Protein context (NP_005576.3, residues 26-46): GSGGGGGGDE[Asp36Ala]GSLGSRAEPA